The following is an entry in ClinVar:

NM_001349338.3(FOXP1):c.532C>T (p.Gln178Ter)

Gene: FOXP1 (forkhead box P1; minus strand). Cytogenetic location: 3p13.
Variant type: single nucleotide variant.
Coding change: c.532C>T on transcript NM_001349338.3 (MANE Select); coding-DNA position 532, C replaced by T.
Protein change: p.Gln178Ter; replaces glutamine 178 with a stop codon.
Molecular consequence: nonsense. On other transcripts: non-coding transcript variant (2).
Genome position (GRCh38, 1-based): chr3:71,047,074, G>A on the plus strand (C>T on the coding strand, the complement: FOXP1 is on the minus strand). VCF-style: chr3-71047074-G-A. GRCh37 (hg19) VCF-style: chr3-71096225-G-A.
Other names: c.532C>T, p.Gln178Ter (NM_001244808.3, NM_001244810.2, NM_001244814.3 and 3 more transcripts); c.304C>T, p.Gln102Ter (NM_001244812.3); c.232C>T, p.Gln78Ter (NM_001244813.3, NM_001244815.2, NM_001349342.3 and 1 more transcripts); c.229C>T, p.Gln77Ter (NM_001349337.2, NM_001349343.3, NM_001349344.3); c.529C>T, p.Gln177Ter (NM_001349341.3); short protein forms Q177*, Q102*, Q178*, Q77*, Q78*.
Identifiers: ClinVar variation 4763773 (VCV004763773.1).

ClinVar aggregate classification (germline): Pathogenic (1 of 4 stars; one submission).

gnomAD v4.1: 1 of 1,613,932 alleles (0.000062%); highest among the groups gnomAD compares: Non-Finnish European, 0.000085%; no homozygotes.

Submission:

Labcorp Genetics (formerly Invitae), Labcorp
Classification: Pathogenic. Last evaluated: 2025-05-11. Review status: criteria provided, single submitter. Criteria: Invitae Variant Classification Sherloc (09022015). Collection method: clinical testing. Allele origin: germline.
Comment: This sequence change creates a premature translational stop signal (p.Gln178*) in the FOXP1 gene. It is expected to result in an absent or disrupted protein product. Loss-of-function variants in FOXP1 are known to be pathogenic (PMID: 28735298). This variant is not present in population databases (gnomAD no frequency). This premature translational stop signal has been observed in individual(s) with FOXP1-related conditions (PMID: 34109629). For these reasons, this variant has been classified as Pathogenic.

Literature cited by the submitters: PubMed 28735298; PubMed 34109629.